The following is an entry in ClinVar:

ClinVar aggregate classification (germline): Uncertain significance (1 of 4 stars; one submission).

Allele frequency attached by ClinVar (database versions not stated): gnomAD exomes 0.00002; gnomAD 0.00005; ExAC 0.00007; TOPMed 0.00007; 1000 Genomes Project 30x 0.00016; 1000 Genomes Project 0.00020.
gnomAD v4.1: 44 of 1,614,012 alleles (0.0027%); highest among the groups gnomAD compares: South Asian, 0.025%; no homozygotes.

Submission:

Labcorp Genetics (formerly Invitae), Labcorp
Classification: Uncertain significance. Last evaluated: 2022-06-24. Review status: criteria provided, single submitter. Criteria: Invitae Variant Classification Sherloc (09022015). Collection method: clinical testing. Allele origin: germline.
Comment: This sequence change replaces glutamic acid, which is acidic and polar, with lysine, which is basic and polar, at codon 840 of the HPS5 protein (p.Glu840Lys). This variant is present in population databases (rs547917823, gnomAD 0.03%). This variant has not been reported in the literature in individuals affected with HPS5-related conditions. Algorithms developed to predict the effect of missense changes on protein structure and function output the following: SIFT: "Tolerated"; PolyPhen-2: "Benign"; Align-GVGD: "Class C0". The lysine amino acid residue is found in multiple mammalian species, which suggests that this missense change does not adversely affect protein function. In summary, the available evidence is currently insufficient to determine the role of this variant in disease. Therefore, it has been classified as a Variant of Uncertain Significance.

NM_181507.2(HPS5):c.2518G>A (p.Glu840Lys)

Gene: HPS5 (HPS5 biogenesis of lysosomal organelles complex 2 subunit 2; minus strand). Cytogenetic location: 11p15.1.
Variant type: single nucleotide variant.
Coding change: c.2518G>A on transcript NM_181507.2 (MANE Select); coding-DNA position 2518, G replaced by A.
Protein change: p.Glu840Lys; replaces glutamic acid 840 with lysine.
Molecular consequence: missense variant.
Genome position (GRCh38, 1-based): chr11:18,287,936, C>T on the plus strand (G>A on the coding strand, the complement: HPS5 is on the minus strand). VCF-style: chr11-18287936-C-T. GRCh37 (hg19) VCF-style: chr11-18309483-C-T.
Other names: c.2176G>A, p.Glu726Lys (NM_007216.4, NM_181508.2); short protein forms E726K, E840K.
Identifiers: ClinVar variation 2427973 (VCV002427973.4), dbSNP rs547917823, ClinGen allele CA5909838.